The following is an entry in ClinVar:

ClinVar aggregate classification (germline): Benign. Review status: criteria provided, multiple submitters, no conflicts (2 of 4 stars). 2 submissions from 2 submitters: Benign (2). Last evaluated 2018-03-06.

Conditions:
Tryptophan 5-monooxygenase deficiency. Identifiers: MedGen CN120491.

Allele frequency attached by ClinVar (database versions not stated): ESP Exome Variant Server 0.05215; gnomAD 0.05600 and 0.05907; TOPMed 0.05751; gnomAD exomes 0.07432; 1000 Genomes Project 30x 0.08276; 1000 Genomes Project 0.08586.
gnomAD v4.1: 106,623 of 1,467,598 alleles (7.3%); highest among the groups gnomAD compares: East Asian, 14%; 4,473 homozygotes.

Submissions (2):

Illumina Laboratory Services, Illumina
Classification: Benign for Tryptophan 5-monooxygenase deficiency. Last evaluated: 2018-03-06. Review status: criteria provided, single submitter. Criteria: ICSL Variant Classification Criteria 13 December 2019. Collection method: clinical testing. Allele origin: germline.
Comment: This variant was observed in the ICSL laboratory as part of a predisposition screen in an ostensibly healthy population. It had not been previously curated by ICSL or reported in the Human Gene Mutation Database (HGMD: prior to June 1st, 2018), and was therefore a candidate for classification through an automated scoring system. Utilizing variant allele frequency, disease prevalence and penetrance estimates, and inheritance mode, an automated score was calculated to assess if this variant is too frequent to cause the disease. Based on the score and internal cut-off values, a variant classified as benign is not then subjected to further curation. The score for this variant resulted in a classification of benign for this disease.

Breakthrough Genomics
Classification: Benign. Review status: criteria provided, single submitter. Criteria: ACMG Guidelines, 2015. Collection method: not provided. Allele origin: germline. Inheritance: Unknown mechanism. Affected: yes.

NM_173353.4(TPH2):c.-52A>G

Gene: TPH2 (tryptophan hydroxylase 2; plus strand). Cytogenetic location: 12q21.1.
Variant type: single nucleotide variant.
Coding change: c.-52A>G on transcript NM_173353.4 (MANE Select); 52 bases upstream of the start codon, A replaced by G.
Molecular consequence: 5 prime UTR variant.
Genome position (GRCh38, 1-based): chr12:71,938,935, A>G. VCF-style: chr12-71938935-A-G. GRCh37 (hg19) VCF-style: chr12-72332715-A-G.
Identifiers: ClinVar variation 310376 (VCV000310376.6), dbSNP rs11178998, ClinGen allele CA10642412.